The following is an entry in ClinVar:

NM_001267550.2(TTN):c.80271C>T (p.Val26757=)

Genes: TTN (titin; minus strand), TTN-AS1 (TTN antisense RNA 1; plus strand). Cytogenetic location: 2q31.2.
Variant type: single nucleotide variant.
Coding change: c.80271C>T on transcript NM_001267550.2 (MANE Select); coding-DNA position 80271, C replaced by T.
Protein change: p.Val26757=; no amino-acid change (valine 26757 retained).
Molecular consequence: synonymous variant.
Genome position (GRCh38, 1-based): chr2:178,565,861, G>A on the plus strand (C>T on the coding strand, the complement: TTN is on the minus strand). VCF-style: chr2-178565861-G-A. GRCh37 (hg19) VCF-style: chr2-179430588-G-A.
Other names: c.75348C>T, p.Val25116= (NM_001256850.1); c.72567C>T, p.Val24189= (NM_133378.4); c.53076C>T, p.Val17692= (NM_003319.4); c.53451C>T, p.Val17817= (NM_133432.3); c.53652C>T, p.Val17884= (NM_133437.4); c.80271C>T (NM_001267550.1).
Identifiers: ClinVar variation 47384 (VCV000047384.64), dbSNP rs199875474, ClinGen allele CA140848.

ClinVar aggregate classification (germline): Conflicting classifications of pathogenicity. Review status: criteria provided, conflicting classifications (1 of 4 stars). 20 submissions from 16 submitters: Uncertain significance (1); Benign (9); Likely benign (6). 4 of the submissions do not count toward it. Last evaluated 2026-08-01.

Conditions:
Cardiovascular phenotype. Identifiers: MedGen CN230736.
Autosomal recessive limb-girdle muscular dystrophy type 2J (LGMDR10). Also called: MUSCULAR DYSTROPHY, LIMB-GIRDLE, AUTOSOMAL RECESSIVE 10; Limb-girdle muscular dystrophy, type 2J. Identifiers: Orphanet 140922, MedGen C1837342, MONDO:0012127, OMIM 608807.
Dilated cardiomyopathy 1G (CMD1G). Identifiers: Orphanet 154, MedGen C1858763, MONDO:0011400, OMIM 604145.
Cardiomyopathy (CMYO). Also called: Cardiomyopathies. Identifiers: Orphanet 167848, MedGen C0878544, MONDO:0004994, HP:0001638. Inheritance: Various modes of inheritance.
Early-onset myopathy with fatal cardiomyopathy (CMYO5). Also called: CONGENITAL MYOPATHY 5 WITH CARDIOMYOPATHY; Salih Myopathy. Identifiers: Orphanet 289377, MedGen C2673677, MONDO:0012714, OMIM 611705. Disease mechanism: loss of function.
Myopathy, myofibrillar, 9, with early respiratory failure (MFM9). Also called: Myopathy, distal, with early respiratory failure, autosomal dominant; Hereditary myopathy with early respiratory failure; EDSTROM MYOPATHY; MYOPATHY, PROXIMAL, WITH EARLY RESPIRATORY MUSCLE INVOLVEMENT. Identifiers: Orphanet 178464, Orphanet 34521, MedGen C1863599, MONDO:0011362, OMIM 603689.
Tibial muscular dystrophy (TMD). Also called: Tibial muscular dystrophy, tardive; Udd Distal Myopathy – Tibial Muscular Dystrophy; UDD MYOPATHY. Identifiers: Orphanet 609, MedGen C1838244, MONDO:0010870, OMIM 600334.

Allele frequency attached by ClinVar (database versions not stated): ESP Exome Variant Server 0.00041; gnomAD exomes 0.00073 and 0.00158; 1000 Genomes Project 0.00200; gnomAD 0.00030 and 0.00052; 1000 Genomes Project 30x 0.00187; TOPMed 0.00034; ExAC 0.00164.
gnomAD v4.1: 1,171 of 1,613,612 alleles (0.073%); highest among the groups gnomAD compares: South Asian, 0.73%; 8 homozygotes.

Submissions (20):

CeGaT Center for Human Genetics Tuebingen
Classification: Likely benign. Last evaluated: 2026-08-01. Review status: criteria provided, single submitter. Criteria: CeGaT Center For Human Genetics Tuebingen Variant Classification Criteria Version 2. Collection method: clinical testing. Allele origin: germline. Affected: yes. Observed: 21 variant alleles.
Comment: TTN: BP4, BP7

Molecular Diagnostic Laboratory for Inherited Cardiovascular Disease, Montreal Heart Institute
Classification: Likely benign. Last evaluated: 2026-03-27. Review status: criteria provided, single submitter. Criteria: ACMG Guidelines, 2015. Collection method: clinical testing. Allele origin: germline. Affected: no.
Comment: BS1;BP7

Labcorp Genetics (formerly Invitae), Labcorp
Classification: Benign for Dilated cardiomyopathy 1G; Autosomal recessive limb-girdle muscular dystrophy type 2J. Last evaluated: 2026-02-03. Review status: criteria provided, single submitter. Criteria: Invitae Variant Classification Sherloc (09022015). Collection method: clinical testing. Allele origin: germline.

Blueprint Genetics
Classification: Likely benign. Last evaluated: 2024-11-26. Review status: criteria provided, single submitter. Criteria: ACMG Guidelines, 2015. Collection method: clinical testing. Allele origin: germline.

Athena Diagnostics
Classification: Benign. Last evaluated: 2023-10-06. Review status: criteria provided, single submitter. Criteria: Athena Diagnostics Criteria. Collection method: clinical testing. Allele origin: unknown.

Women's Health and Genetics/Laboratory Corporation of America, LabCorp
Classification: Benign. Last evaluated: 2021-11-21. Review status: criteria provided, single submitter. Criteria: LabCorp Variant Classification Summary - May 2015. Collection method: clinical testing. Allele origin: germline.

Illumina Laboratory Services, Illumina
Classification: Uncertain significance for Autosomal recessive limb-girdle muscular dystrophy type 2J. Last evaluated: 2018-01-13. Review status: criteria provided, single submitter. Criteria: ICSL Variant Classification Criteria 13 December 2019. Collection method: clinical testing. Allele origin: germline.

Illumina Laboratory Services, Illumina
Classification: Likely benign for Dilated cardiomyopathy 1G. Last evaluated: 2018-01-13. Review status: criteria provided, single submitter. Criteria: ICSL Variant Classification Criteria 13 December 2019. Collection method: clinical testing. Allele origin: germline.
Comment: This variant was observed in the ICSL laboratory as part of a predisposition screen in an ostensibly healthy population. It had not been previously curated by ICSL or reported in the Human Gene Mutation Database (HGMD: prior to June 1st, 2018), and was therefore a candidate for classification through an automated scoring system. Utilizing variant allele frequency, disease prevalence and penetrance estimates, and inheritance mode, an automated score was calculated to assess if this variant is too frequent to cause the disease. Based on the score and internal cut-off values, a variant classified as likely benign is not then subjected to further curation. The score for this variant resulted in a classification of likely benign for this disease.

Illumina Laboratory Services, Illumina
Classification: Benign for Tibial muscular dystrophy. Last evaluated: 2018-01-13. Review status: criteria provided, single submitter. Criteria: ICSL Variant Classification Criteria 13 December 2019. Collection method: clinical testing. Allele origin: germline.
Comment: This variant was observed in the ICSL laboratory as part of a predisposition screen in an ostensibly healthy population. It had not been previously curated by ICSL or reported in the Human Gene Mutation Database (HGMD: prior to June 1st, 2018), and was therefore a candidate for classification through an automated scoring system. Utilizing variant allele frequency, disease prevalence and penetrance estimates, and inheritance mode, an automated score was calculated to assess if this variant is too frequent to cause the disease. Based on the score and internal cut-off values, a variant classified as benign is not then subjected to further curation. The score for this variant resulted in a classification of benign for this disease.

Illumina Laboratory Services, Illumina
Classification: Likely benign for Early-onset myopathy with fatal cardiomyopathy. Last evaluated: 2018-01-13. Review status: criteria provided, single submitter. Criteria: ICSL Variant Classification Criteria 13 December 2019. Collection method: clinical testing. Allele origin: germline.
Comment: the same text as in the submission from Illumina Laboratory Services, Illumina above.

Illumina Laboratory Services, Illumina
Classification: Benign for Myopathy, myofibrillar, 9, with early respiratory failure. Last evaluated: 2018-01-13. Review status: criteria provided, single submitter. Criteria: ICSL Variant Classification Criteria 13 December 2019. Collection method: clinical testing. Allele origin: germline.
Comment: the same text as in the submission from Illumina Laboratory Services, Illumina above.

CHEO Genetics Diagnostic Laboratory, Children's Hospital of Eastern Ontario
Classification: Benign for Cardiomyopathy. Last evaluated: 2017-12-08. Review status: criteria provided, single submitter. Criteria: ACMG Guidelines, 2015. Collection method: clinical testing. Allele origin: germline.

GeneDx
Classification: Benign. Last evaluated: 2015-05-08. Review status: criteria provided, single submitter. Criteria: GeneDx Variant Classification (06012015). Collection method: clinical testing. Allele origin: germline. Affected: yes.
Comment: This variant is considered likely benign or benign based on one or more of the following criteria: it is a conservative change, it occurs at a poorly conserved position in the protein, it is predicted to be benign by multiple in silico algorithms, and/or has population frequency not consistent with disease.

Laboratory for Molecular Medicine, Mass General Brigham Personalized Medicine
Classification: Benign. Last evaluated: 2015-03-11. Review status: criteria provided, single submitter. Criteria: LMM Criteria. Collection method: clinical testing. Allele origin: germline. Observed: 6 variant alleles.
Comment: p.Val24189Val in exon 275 of TTN: This variant is not expected to have clinical significance because it has been identified in 0.9% (145/16512) of South Asian c hromosomes by the Exome Aggregation Consortium (ExAC .org).

Eurofins Ntd Llc (ga)
Classification: Benign. Last evaluated: 2014-12-23. Review status: criteria provided, single submitter. Criteria: EGL Classification Definitions 2015. Collection method: clinical testing. Allele origin: germline. Observed: 1 variant allele, 1 heterozygote.

Ambry Genetics
Classification: Likely benign for Cardiovascular phenotype. Last evaluated: 2012-12-06. Review status: criteria provided, single submitter. Criteria: Ambry Autosomal Dominant and X-Linked criteria (10/2015). Collection method: clinical testing. Allele origin: germline. Observed: 1 variant allele.

Clinical Genetics DNA and cytogenetics Diagnostics Lab, Erasmus MC, Erasmus Medical Center
Classification: Likely benign. Review status: no assertion criteria provided. Collection method: clinical testing. Allele origin: germline. Affected: yes. Study: VKGL Data-share Consensus. Not counted in ClinVar's aggregate classification.

Clinical Genetics, Academic Medical Center
Classification: Benign. Review status: no assertion criteria provided. Collection method: clinical testing. Allele origin: germline. Affected: yes. Study: VKGL Data-share Consensus. Not counted in ClinVar's aggregate classification.

Diagnostic Laboratory, Department of Genetics, University Medical Center Groningen
Classification: Likely benign. Review status: no assertion criteria provided. Collection method: clinical testing. Allele origin: germline. Affected: yes. Study: VKGL Data-share Consensus. Not counted in ClinVar's aggregate classification.

Genome Diagnostics Laboratory, University Medical Center Utrecht
Classification: Benign. Review status: no assertion criteria provided. Collection method: clinical testing. Allele origin: germline. Affected: yes. Study: VKGL Data-share Consensus. Not counted in ClinVar's aggregate classification.